The following is an entry in ClinVar:

ClinVar aggregate classification (germline): Uncertain significance. Review status: criteria provided, multiple submitters, no conflicts (2 of 4 stars). 2 submissions from 2 submitters: Uncertain significance (2). Last evaluated 2025-12-30.

Conditions:
Inborn genetic diseases. Identifiers: MedGen C0950123, MeSH D030342.

Allele frequency attached by ClinVar (database versions not stated): gnomAD exomes below 0.00001; gnomAD 0.00001.
gnomAD v4.1: 5 of 1,613,696 alleles (0.00031%); highest among the groups gnomAD compares: Admixed American, 0.0017%; no homozygotes.

Submissions (2):

Ambry Genetics
Classification: Uncertain significance for Inborn genetic diseases. Last evaluated: 2025-12-30. Review status: criteria provided, single submitter. Criteria: Ambry Variant Classification Scheme 2023. Collection method: clinical testing. Allele origin: germline.
Comment: The c.3305C>A (p.A1102D) alteration is located in exon 3 (coding exon 1) of the SAMD9 gene. This alteration results from a C to A substitution at nucleotide position 3305, causing the alanine (A) at amino acid position 1102 to be replaced by an aspartic acid (D). Based on data from gnomAD, the A allele has an overall frequency of <0.001% (1/250978) total alleles studied. The highest observed frequency was 0.001% (1/113358) of European (non-Finnish) alleles. Based on insufficient or conflicting evidence, the clinical significance of this alteration remains unclear.

Labcorp Genetics (formerly Invitae), Labcorp
Classification: Uncertain significance. Last evaluated: 2022-01-18. Review status: criteria provided, single submitter. Criteria: Invitae Variant Classification Sherloc (09022015). Collection method: clinical testing. Allele origin: germline.
Comment: This missense change has been observed in at least one individual who was not affected with SAMD9-related conditions (Invitae). Algorithms developed to predict the effect of missense changes on protein structure and function are either unavailable or do not agree on the potential impact of this missense change (SIFT: "Deleterious"; PolyPhen-2: "Probably Damaging"; Align-GVGD: "Class C0"). In summary, the available evidence is currently insufficient to determine the role of this variant in disease. Therefore, it has been classified as a Variant of Uncertain Significance. This missense change has been observed in individual(s) with SAMD9 gene-related conditions (Invitae). This sequence change replaces alanine, which is neutral and non-polar, with aspartic acid, which is acidic and polar, at codon 1102 of the SAMD9 protein (p.Ala1102Asp). This variant is present in population databases (no rsID available, gnomAD 0.0009%).

NM_017654.4(SAMD9):c.3305C>A (p.Ala1102Asp)

Gene: SAMD9 (sterile alpha motif domain containing 9; minus strand). Cytogenetic location: 7q21.2.
Variant type: single nucleotide variant.
Coding change: c.3305C>A on transcript NM_017654.4 (MANE Select); coding-DNA position 3305, C replaced by A.
Protein change: p.Ala1102Asp; replaces alanine 1102 with aspartic acid.
Molecular consequence: missense variant.
Genome position (GRCh38, 1-based): chr7:93,102,793, G>T on the plus strand (C>A on the coding strand, the complement: SAMD9 is on the minus strand). VCF-style: chr7-93102793-G-T. GRCh37 (hg19) VCF-style: chr7-92732106-G-T.
Other names: c.3305C>A (NM_017654.3); c.3305C>A, p.Ala1102Asp (NM_001193307.2); short protein forms A1102D.
Identifiers: ClinVar variation 1394055 (VCV001394055.10), dbSNP rs1362319999, ClinGen allele CA368185941.